The following is an entry in ClinVar:

ClinVar aggregate classification (germline): Benign/Likely benign. Review status: criteria provided, multiple submitters, no conflicts (2 of 4 stars). 3 submissions from 3 submitters: Benign (1); Likely benign (2). Last evaluated 2025-11-10.

Conditions:
Brown-Vialetto-van Laere syndrome 1. Also called: BROWN-VIALETTO-VAN LAERE SYNDROME 1, MILD; BULBAR PALSY, PROGRESSIVE, WITH SENSORINEURAL DEAFNESS; PONTOBULBAR PALSY WITH DEAFNESS. Identifiers: Orphanet 572550, Orphanet 97229, MedGen C0796274, MONDO:0024537, OMIM 211530.
SLC52A3-related disorder. Also called: SLC52A3-related condition.

Allele frequency attached by ClinVar (database versions not stated): 1000 Genomes Project 30x 0.00047; TOPMed 0.00031.

Submissions (3):

PreventionGenetics, part of Exact Sciences
Classification: Likely benign for SLC52A3-related condition. Last evaluated: 2025-11-10. Review status: criteria provided, single submitter. Criteria: ACMG Guidelines, 2015. Collection method: clinical testing. Allele origin: germline.
Comment: This variant is classified as likely benign based on ACMG/AMP sequence variant interpretation guidelines (Richards et al. 2015 PMID: 25741868, with internal and published modifications).

Labcorp Genetics (formerly Invitae), Labcorp
Classification: Benign for Brown-Vialetto-van Laere syndrome 1. Last evaluated: 2025-09-02. Review status: criteria provided, single submitter. Criteria: Invitae Variant Classification Sherloc (09022015). Collection method: clinical testing. Allele origin: germline.

Blueprint Genetics
Classification: Likely benign. Last evaluated: 2024-10-11. Review status: criteria provided, single submitter. Criteria: ACMG Guidelines, 2015. Collection method: clinical testing. Allele origin: germline.

NM_033409.4(SLC52A3):c.705C>A (p.Leu235=)

Gene: SLC52A3 (solute carrier family 52 member 3; minus strand). Cytogenetic location: 20p13.
Variant type: single nucleotide variant.
Coding change: c.705C>A on transcript NM_033409.4 (MANE Select); coding-DNA position 705, C replaced by A.
Protein change: p.Leu235=; no amino-acid change (leucine 235 retained).
Molecular consequence: synonymous variant.
Genome position (GRCh38, 1-based): chr20:763,866, G>T on the plus strand (C>A on the coding strand, the complement: SLC52A3 is on the minus strand). VCF-style: chr20-763866-G-T. GRCh37 (hg19) VCF-style: chr20-744510-G-T.
Other names: c.705C>A, p.Leu235= (NM_001370085.1, NM_001370086.1).
Identifiers: ClinVar variation 707415 (VCV000707415.13), dbSNP rs3746806, ClinGen allele CA9724700.